The following is an entry in ClinVar:

NM_003482.4(KMT2D):c.15428A>G (p.Glu5143Gly)

Gene: KMT2D (lysine methyltransferase 2D; minus strand). Cytogenetic location: 12q13.12.
Variant type: single nucleotide variant.
Coding change: c.15428A>G on transcript NM_003482.4 (MANE Select); coding-DNA position 15428, A replaced by G.
Protein change: p.Glu5143Gly; replaces glutamic acid 5143 with glycine.
Molecular consequence: missense variant.
Genome position (GRCh38, 1-based): chr12:49,026,538, T>C on the plus strand (A>G on the coding strand, the complement: KMT2D is on the minus strand). VCF-style: chr12-49026538-T-C. GRCh37 (hg19) VCF-style: chr12-49420321-T-C.
Other names: short protein forms E5143G.
Identifiers: ClinVar variation 3617107 (VCV003617107.2).

ClinVar aggregate classification (germline): Uncertain significance (1 of 4 stars; one submission).

Conditions:
Kabuki syndrome. Also called: NIIKAWA-KUROKI SYNDROME; Kabuki make-up syndrome. Identifiers: Orphanet 2322, MedGen C0796004, MONDO:0016512.

gnomAD v4.1: 2 of 1,613,986 alleles (0.00012%); highest among the groups gnomAD compares: Non-Finnish European, 0.00017%; no homozygotes.

Submission:

Labcorp Genetics (formerly Invitae), Labcorp
Classification: Uncertain significance for Kabuki syndrome. Last evaluated: 2025-07-31. Review status: criteria provided, single submitter. Criteria: Invitae Variant Classification Sherloc (09022015). Collection method: clinical testing. Allele origin: germline.
Comment: This sequence change replaces glutamic acid, which is acidic and polar, with glycine, which is neutral and non-polar, at codon 5143 of the KMT2D protein (p.Glu5143Gly). This variant is not present in population databases (gnomAD no frequency). This variant has not been reported in the literature in individuals affected with KMT2D-related conditions. ClinVar contains an entry for this variant (Variation ID: 3617107). Invitae Evidence Modeling of protein sequence and biophysical properties (such as structural, functional, and spatial information, amino acid conservation, physicochemical variation, residue mobility, and thermodynamic stability) indicates that this missense variant is not expected to disrupt KMT2D protein function with a negative predictive value of 95%. In summary, the available evidence is currently insufficient to determine the role of this variant in disease. Therefore, it has been classified as a Variant of Uncertain Significance.